The following is an entry in ClinVar:

ClinVar aggregate classification (germline): Conflicting classifications of pathogenicity. Review status: criteria provided, conflicting classifications (1 of 4 stars). 4 submissions from 4 submitters: Uncertain significance (1); Likely benign (3). Last evaluated 2026-01-03.

Conditions:
Glycogen storage disease, type II (IOPD). Also called: Glucosidase acid-1,4-alpha deficiency; Glycogen storage disease type 2; Acid maltase deficiency disease; Aglucosidase alfa; Deficiency of alpha-glucosidase; Deficiency of lysosomal alpha-glucosidase. Identifiers: Orphanet 365, MedGen C0017921, MONDO:0009290, OMIM 232300.

gnomAD v4.1: 1 of 1,611,794 alleles (0.000062%); highest among the groups gnomAD compares: Admixed American, 0.0017%; no homozygotes.

Submissions (4):

Labcorp Genetics (formerly Invitae), Labcorp
Classification: Likely benign for Glycogen storage disease, type II. Last evaluated: 2026-01-03. Review status: criteria provided, single submitter. Criteria: Invitae Variant Classification Sherloc (09022015). Collection method: clinical testing. Allele origin: germline.

Genome-Nilou Lab
Classification: Likely benign for Glycogen storage disease, type II. Last evaluated: 2021-07-22. Review status: criteria provided, single submitter. Criteria: ACMG Guidelines, 2015. Collection method: clinical testing. Allele origin: germline. Affected: no.

GeneDx
Classification: Likely benign. Last evaluated: 2016-06-20. Review status: criteria provided, single submitter. Criteria: GeneDx Variant Classification (06012015). Collection method: clinical testing. Allele origin: germline. Affected: yes.
Comment: This variant is considered likely benign or benign based on one or more of the following criteria: it is a conservative change, it occurs at a poorly conserved position in the protein, it is predicted to be benign by multiple in silico algorithms, and/or has population frequency not consistent with disease.

Eurofins Ntd Llc (ga)
Classification: Uncertain significance. Last evaluated: 2015-10-30. Review status: criteria provided, single submitter. Criteria: EGL Classification Definitions 2015. Collection method: clinical testing. Allele origin: germline. Observed: 2 variant alleles, 2 heterozygotes.

NM_000152.5(GAA):c.2647-6G>A

Gene: GAA (alpha glucosidase; plus strand). Cytogenetic location: 17q25.3.
Variant type: single nucleotide variant.
Coding change: c.2647-6G>A on transcript NM_000152.5 (MANE Select); 6 bases into the intron before coding-DNA position 2647, G replaced by A.
Molecular consequence: intron variant.
Genome position (GRCh38, 1-based): chr17:80,118,647, G>A. VCF-style: chr17-80118647-G-A. GRCh37 (hg19) VCF-style: chr17-78092446-G-A.
Other names: c.2647-6G>A (LRG_673t1, NM_001079803.3, NM_001079804.3).
Identifiers: ClinVar variation 284452 (VCV000284452.17), dbSNP rs201525743, ClinGen allele CA10604795.